The following is an entry in ClinVar:

NM_004715.5(CTDP1):c.1915A>G (p.Ile639Val)

Gene: CTDP1 (CTD phosphatase subunit 1; plus strand). Cytogenetic location: 18q23.
Variant type: single nucleotide variant.
Coding change: c.1915A>G on transcript NM_004715.5 (MANE Select); coding-DNA position 1915, A replaced by G.
Protein change: p.Ile639Val; replaces isoleucine 639 with valine.
Molecular consequence: missense variant.
Genome position (GRCh38, 1-based): chr18:79,715,375, A>G. VCF-style: chr18-79715375-A-G. GRCh37 (hg19) VCF-style: chr18-77475375-A-G.
Other names: c.1558A>G, p.Ile520Val (NM_001202504.1); c.1915A>G, p.Ile639Val (NM_001318511.2, NM_048368.4); short protein forms I520V, I639V.
Identifiers: ClinVar variation 1805787 (VCV001805787.1), dbSNP rs79944224, ClinGen allele CA9010407.

ClinVar aggregate classification (germline): Uncertain significance (1 of 4 stars; one submission).

Conditions:
Congenital cataracts-facial dysmorphism-neuropathy syndrome (CCFDN). Also called: CATARACT, CONGENITAL, WITH FACIAL DYSMORPHISM AND NEUROPATHY; CTDP1-Related Congenital Cataracts, Facial Dysmorphism, and Neuropathy. Identifiers: Orphanet 48431, MedGen C1858726, MONDO:0011402, OMIM 604168.

Allele frequency attached by ClinVar (database versions not stated): ExAC 0.00012; 1000 Genomes Project 30x 0.00031; 1000 Genomes Project 0.00040.
gnomAD v4.1: 47 of 1,608,118 alleles (0.0029%); highest among the groups gnomAD compares: East Asian, 0.016%; no homozygotes.

Submission:

Victorian Clinical Genetics Services, Murdoch Childrens Research Institute
Classification: Uncertain significance for Congenital cataracts-facial dysmorphism-neuropathy syndrome. Last evaluated: 2020-05-21. Review status: criteria provided, single submitter. Criteria: ACMG Guidelines, 2015. Collection method: clinical testing. Allele origin: germline. Inheritance: Autosomal recessive inheritance.
Comment: A heterozygous missense variant was identified, NM_004715.4(CTDP1):c.1915A>G in exon 8 of 13 of the CTDP1 gene. This substitution is predicted to create a minor amino acid change from an isoleucine to a valine at position 639 of the protein, NP_004706.3(CTDP1):p.(Ile639Val). The isoleucine at this position has low conservation (100 vertebrates, UCSC), and is located within the BRCT domain. In silico software predicts this variant to be benign (Polyphen, SIFT, CADD, Mutation Taster). The variant is present in the gnomAD population database at a frequency of 0.003% (6 heterozygotes, 0 homozygotes) and has not been previously observed in clinical cases. Based on information available at the time of curation, this variant has been classified as a VARIANT of UNCERTAIN SIGNIFICANCE (VUS) with LOW CLINICAL RELEVANCE.